The following is an entry in ClinVar:

NM_001083619.3(GRIA2):c.1958_1960delinsTCTACAGCAC (p.Pro653fs)

Gene: GRIA2 (glutamate ionotropic receptor AMPA type subunit 2; plus strand). Cytogenetic location: 4q32.1.
Variant type: Indel.
Coding change: c.1958_1960delinsTCTACAGCAC on transcript NM_001083619.3 (MANE Select); coding-DNA positions 1958 to 1960, CCA replaced by TCTACAGCAC.
Protein change: p.Pro653fs; shifts the reading frame from proline 653.
Molecular consequence: frameshift variant.
Genome position (GRCh38, 1-based): chr4:157,341,377-157,341,379, CCA replaced by TCTACAGCAC. VCF-style: chr4-157341377-CCA-TCTACAGCAC. GRCh37 (hg19) VCF-style: chr4-158262529-CCA-TCTACAGCAC.
Other names: c.1958_1960delCCAinsTCTACAGCAC (NM_000826.6); c.1958_1960delinsTCTACAGCAC, p.Pro653fs (NM_000826.6); c.1817_1819delinsTCTACAGCAC, p.Pro606fs (NM_001083620.3, NM_001379000.3, NM_001379001.3); short protein forms P606fs, P653fs.
Identifiers: ClinVar variation 1320197 (VCV001320197.1), dbSNP rs2126951829, ClinGen allele CA2573052312.
Genomic context (GRCh38, chr4:157,341,377, plus strand): 5'-TAATCTCCTCCTACACGGCTAACTTAGCTGCCTTCCTGACTGTAGAGAGGATGGTGTCTC[CCA>TCTACAGCAC]TCGAAAGTGCTGAGGATCTTTCTAAGCAAACAGAAATTGCTTATGGAACATTAGACTCTG-3'

ClinVar aggregate classification (germline): Likely pathogenic (1 of 4 stars; one submission).

Conditions:
Neurodevelopmental disorder with language impairment and behavioral abnormalities. Also called: GRIA2-related neurodevelopmental disorder. Identifiers: MedGen C5394502, MONDO:0030060, OMIM 618917.

Submission:

3billion
Classification: Likely pathogenic for Neurodevelopmental disorder with language impairment and behavioral abnormalities. Last evaluated: 2021-10-02. Review status: criteria provided, single submitter. Criteria: ACMG Guidelines, 2015. Collection method: clinical testing. Allele origin: unknown. Affected: yes. Observed: 1 heterozygote.
Comment: Frameshift: predicted to result in a loss or disruption of normal protein function through nonsense-mediated decay (NMD) or protein truncation. Multiple pathogenic variants are reported downstream of the variant (PVS1_VS). It is not observed in the gnomAD v2.1.1 dataset (PM2). Therefore, this variant is classified as likely pathogenic according to the recommendation of ACMG/AMP guideline.